The following is an entry in ClinVar:

NM_019112.4(ABCA7):c.1767G>A (p.Ala589=)

Gene: ABCA7 (ATP binding cassette subfamily A member 7; plus strand). Cytogenetic location: 19p13.3.
Variant type: single nucleotide variant.
Coding change: c.1767G>A on transcript NM_019112.4 (MANE Select); coding-DNA position 1767, G replaced by A.
Protein change: p.Ala589=; no amino-acid change (alanine 589 retained).
Molecular consequence: synonymous variant.
Genome position (GRCh38, 1-based): chr19:1,046,946, G>A. VCF-style: chr19-1046946-G-A. GRCh37 (hg19) VCF-style: chr19-1046945-G-A.
Identifiers: ClinVar variation 3058038 (VCV003058038.2), dbSNP rs368652784, ClinGen allele CA9033173.

ClinVar aggregate classification (germline): Likely benign (0 of 4 stars; one submission).

Conditions:
ABCA7-related disorder. Also called: ABCA7-related condition.

Allele frequency attached by ClinVar (database versions not stated): ExAC 0.00003; gnomAD 0.00006; ESP Exome Variant Server 0.00008.
gnomAD v4.1: 86 of 1,568,928 alleles (0.0055%); highest among the groups gnomAD compares: Non-Finnish European, 0.007%; no homozygotes.

Submission:

PreventionGenetics, part of Exact Sciences
Classification: Likely benign for ABCA7-related condition. Last evaluated: 2020-03-24. Review status: no assertion criteria provided. Collection method: clinical testing. Allele origin: germline.
Comment: This variant is classified as likely benign based on ACMG/AMP sequence variant interpretation guidelines (Richards et al. 2015 PMID: 25741868, with internal and published modifications).